The following is an entry in ClinVar:

ClinVar aggregate classification (germline): Uncertain significance (1 of 4 stars; one submission).

Conditions:
Focal segmental glomerulosclerosis 5 (FSGS5). Identifiers: Orphanet 656, MedGen C2750475, MONDO:0013191, OMIM 613237.
Charcot-Marie-Tooth disease dominant intermediate E. Also called: CHARCOT-MARIE-TOOTH NEUROPATHY WITH FOCAL SEGMENTAL GLOMERULONEPHRITIS. Identifiers: Orphanet 93114, MedGen C4302667, MONDO:0013758, OMIM 614455.

Submission:

Labcorp Genetics (formerly Invitae), Labcorp
Classification: Uncertain significance for Charcot-Marie-Tooth disease dominant intermediate E; Focal segmental glomerulosclerosis 5. Last evaluated: 2024-07-03. Review status: criteria provided, single submitter. Criteria: Invitae Variant Classification Sherloc (09022015). Collection method: clinical testing. Allele origin: germline.
Comment: This sequence change replaces serine, which is neutral and polar, with proline, which is neutral and non-polar, at codon 433 of the INF2 protein (p.Ser433Pro). This variant is not present in population databases (gnomAD no frequency). This variant has not been reported in the literature in individuals affected with INF2-related conditions. Advanced modeling of protein sequence and biophysical properties (such as structural, functional, and spatial information, amino acid conservation, physicochemical variation, residue mobility, and thermodynamic stability) performed at Invitae indicates that this missense variant is not expected to disrupt INF2 protein function with a negative predictive value of 95%. In summary, the available evidence is currently insufficient to determine the role of this variant in disease. Therefore, it has been classified as a Variant of Uncertain Significance.

NM_022489.4(INF2):c.1297T>C (p.Ser433Pro)

Gene: INF2 (inverted formin 2; plus strand). Cytogenetic location: 14q32.33.
Variant type: single nucleotide variant.
Coding change: c.1297T>C on transcript NM_022489.4 (MANE Select); coding-DNA position 1297, T replaced by C.
Protein change: p.Ser433Pro; replaces serine 433 with proline.
Molecular consequence: missense variant. On other transcripts: non-coding transcript variant (1).
Genome position (GRCh38, 1-based): chr14:104,707,564, T>C. VCF-style: chr14-104707564-T-C. GRCh37 (hg19) VCF-style: chr14-105173901-T-C.
Other names: c.1297T>C, p.Ser433Pro (NM_001031714.4, NM_001426862.1, NM_001426863.1 and 2 more transcripts); short protein forms S433P.
Identifiers: ClinVar variation 3753949 (VCV003753949.2).